The following is an entry in ClinVar:

ClinVar aggregate classification (germline): Uncertain significance (1 of 4 stars; one submission).

gnomAD v4.1: 1 of 1,613,932 alleles (0.000062%); highest among the groups gnomAD compares: South Asian, 0.0011%; no homozygotes.

Submission:

Labcorp Genetics (formerly Invitae), Labcorp
Classification: Uncertain significance. Last evaluated: 2024-05-15. Review status: criteria provided, single submitter. Criteria: Invitae Variant Classification Sherloc (09022015). Collection method: clinical testing. Allele origin: germline.
Comment: This sequence change replaces serine, which is neutral and polar, with isoleucine, which is neutral and non-polar, at codon 221 of the CETP protein (p.Ser221Ile). This variant is not present in population databases (gnomAD no frequency). This variant has not been reported in the literature in individuals affected with CETP-related conditions. Advanced modeling of protein sequence and biophysical properties (such as structural, functional, and spatial information, amino acid conservation, physicochemical variation, residue mobility, and thermodynamic stability) performed at Invitae indicates that this missense variant is not expected to disrupt CETP protein function with a negative predictive value of 80%. In summary, the available evidence is currently insufficient to determine the role of this variant in disease. Therefore, it has been classified as a Variant of Uncertain Significance.

NM_000078.3(CETP):c.662G>T (p.Ser221Ile)

Gene: CETP (cholesteryl ester transfer protein; plus strand). Cytogenetic location: 16q13.
Variant type: single nucleotide variant.
Coding change: c.662G>T on transcript NM_000078.3 (MANE Select); coding-DNA position 662, G replaced by T.
Protein change: p.Ser221Ile; replaces serine 221 with isoleucine.
Molecular consequence: missense variant.
Genome position (GRCh38, 1-based): chr16:56,971,995, G>T. VCF-style: chr16-56971995-G-T. GRCh37 (hg19) VCF-style: chr16-57005907-G-T.
Other names: c.662G>T, p.Ser221Ile (NM_001286085.2); short protein forms S221I.
Identifiers: ClinVar variation 3653464 (VCV003653464.2).